The following is an entry in ClinVar:

ClinVar aggregate classification (germline): Conflicting classifications of pathogenicity. Review status: criteria provided, conflicting classifications (1 of 4 stars). 2 submissions from 2 submitters: Uncertain significance (1); Likely benign (1). Last evaluated 2025-09-24.

Conditions:
Inborn genetic diseases. Identifiers: MedGen C0950123, MeSH D030342.

gnomAD v4.1: 3 of 1,614,162 alleles (0.00019%); highest among the groups gnomAD compares: Admixed American, 0.005%; no homozygotes.

Submissions (2):

Labcorp Genetics (formerly Invitae), Labcorp
Classification: Uncertain significance. Last evaluated: 2025-09-24. Review status: criteria provided, single submitter. Criteria: Invitae Variant Classification Sherloc (09022015). Collection method: clinical testing. Allele origin: germline.
Comment: This sequence change replaces leucine, which is neutral and non-polar, with valine, which is neutral and non-polar, at codon 169 of the ASXL1 protein (p.Leu169Val). This variant is present in population databases (rs751394199, gnomAD 0.009%). This variant has not been reported in the literature in individuals affected with ASXL1-related conditions. An algorithm developed to predict the effect of missense changes on protein structure and function (PolyPhen-2) suggests that this variant is likely to be disruptive. In summary, the available evidence is currently insufficient to determine the role of this variant in disease. Therefore, it has been classified as a Variant of Uncertain Significance.

Ambry Genetics
Classification: Likely benign for Inborn genetic diseases. Last evaluated: 2025-09-16. Review status: criteria provided, single submitter. Criteria: Ambry Variant Classification Scheme 2023. Collection method: clinical testing. Allele origin: germline.

NM_015338.6(ASXL1):c.505C>G (p.Leu169Val)

Gene: ASXL1 (ASXL transcriptional regulator 1; plus strand). Cytogenetic location: 20q11.21.
Variant type: single nucleotide variant.
Coding change: c.505C>G on transcript NM_015338.6 (MANE Select); coding-DNA position 505, C replaced by G.
Protein change: p.Leu169Val; replaces leucine 169 with valine.
Molecular consequence: missense variant.
Genome position (GRCh38, 1-based): chr20:32,429,371, C>G. VCF-style: chr20-32429371-C-G. GRCh37 (hg19) VCF-style: chr20-31017174-C-G.
Other names: c.475C>G, p.Leu159Val (NM_001363734.1); short protein forms L159V, L169V.
Identifiers: ClinVar variation 4587141 (VCV004587141.2).
Genomic context (GRCh38, chr20:32,429,371, plus strand): 5'-TCTCTTTTGTTCTCTCTTGGAACGCAGGCGAACAAACAAAAGAAAAAGACTGGGGTGATG[C>G]TGCCTCGAGTTGTCCTGACTCCTCTGAAGGTAAACGGGGCCCACGTGGAATCTGCATCAG-3'
Protein context (NP_056153.2, residues 159-179): NKQKKKTGVM[Leu169Val]PRVVLTPLKV